The following is an entry in ClinVar:

ClinVar aggregate classification (germline): Benign/Likely benign. Review status: criteria provided, multiple submitters, no conflicts (2 of 4 stars). 9 submissions from 8 submitters: Benign (6); Likely benign (2). 1 of the submissions does not count toward it. Last evaluated 2026-01-27.

Conditions:
Emery-Dreifuss muscular dystrophy 4, autosomal dominant (EDMD4). Also called: EMERY-DREIFUSS MUSCULAR DYSTROPHY 4 WITH VARIABLE FEATURES. Identifiers: Orphanet 261, MedGen C2751807, MONDO:0013071, OMIM 612998.
Autosomal recessive ataxia, Beauce type. Also called: SYNE1-Related Autosomal Recessive Cerebellar Ataxia; ATAXIA, RECESSIVE, OF BEAUCE; Spinocerebellar ataxia, autosomal recessive 8; SYNE1 Deficiency. Identifiers: Orphanet 88644, MedGen C1853116, MONDO:0012549, OMIM 610743.

Allele frequency attached by ClinVar (database versions not stated): ESP Exome Variant Server 0.02614; 1000 Genomes Project 0.03255; 1000 Genomes Project 30x 0.03342; gnomAD exomes 0.00245 and 0.00684; ExAC 0.00845; gnomAD 0.02639 and 0.02821; TOPMed 0.03025.
gnomAD v4.1: 7,799 of 1,614,080 alleles (0.48%); highest among the groups gnomAD compares: African/African-American, 8.8%; 315 homozygotes.

Submissions (9):

Labcorp Genetics (formerly Invitae), Labcorp
Classification: Benign for Emery-Dreifuss muscular dystrophy 4, autosomal dominant; Autosomal recessive ataxia, Beauce type. Last evaluated: 2026-01-27. Review status: criteria provided, single submitter. Criteria: Invitae Variant Classification Sherloc (09022015). Collection method: clinical testing. Allele origin: germline.

Athena Diagnostics
Classification: Benign. Last evaluated: 2019-07-15. Review status: criteria provided, single submitter. Criteria: Athena Diagnostics Criteria. Collection method: clinical testing. Allele origin: germline.

Mayo Clinic Laboratories, Mayo Clinic
Classification: Benign. Last evaluated: 2019-05-06. Review status: criteria provided, single submitter. Criteria: ACMG Guidelines, 2015. Collection method: clinical testing. Allele origin: germline. Observed: 34 variant alleles.

Illumina Laboratory Services, Illumina
Classification: Benign for Emery-Dreifuss muscular dystrophy 4, autosomal dominant. Last evaluated: 2018-01-12. Review status: criteria provided, single submitter. Criteria: ICSL Variant Classification Criteria 13 December 2019. Collection method: clinical testing. Allele origin: germline.
Comment: This variant was observed in the ICSL laboratory as part of a predisposition screen in an ostensibly healthy population. It had not been previously curated by ICSL or reported in the Human Gene Mutation Database (HGMD: prior to June 1st, 2018), and was therefore a candidate for classification through an automated scoring system. Utilizing variant allele frequency, disease prevalence and penetrance estimates, and inheritance mode, an automated score was calculated to assess if this variant is too frequent to cause the disease. Based on the score and internal cut-off values, a variant classified as benign is not then subjected to further curation. The score for this variant resulted in a classification of benign for this disease.

Illumina Laboratory Services, Illumina
Classification: Benign for Autosomal recessive ataxia, Beauce type. Last evaluated: 2018-01-12. Review status: criteria provided, single submitter. Criteria: ICSL Variant Classification Criteria 13 December 2019. Collection method: clinical testing. Allele origin: germline.
Comment: the same text as in the submission from Illumina Laboratory Services, Illumina above.

GeneDx
Classification: Benign. Last evaluated: 2016-06-08. Review status: criteria provided, single submitter. Criteria: GeneDx Variant Classification (06012015). Collection method: clinical testing. Allele origin: germline. Affected: yes.
Comment: This variant is considered likely benign or benign based on one or more of the following criteria: it is a conservative change, it occurs at a poorly conserved position in the protein, it is predicted to be benign by multiple in silico algorithms, and/or has population frequency not consistent with disease.

Breakthrough Genomics
Classification: Likely benign. Review status: criteria provided, single submitter. Criteria: ACMG Guidelines, 2015. Collection method: not provided. Allele origin: germline. Inheritance: Autosomal recessive inheritance. Affected: yes.

PreventionGenetics, part of Exact Sciences
Classification: Likely benign. Review status: criteria provided, single submitter. Criteria: ACMG Guidelines, 2015. Collection method: clinical testing. Allele origin: germline.

Genetic Services Laboratory, University of Chicago
Classification: Likely benign for AllHighlyPenetrant. Review status: no assertion criteria provided. Collection method: clinical testing. Allele origin: germline. Inheritance: Autosomal dominant inheritance. Not counted in ClinVar's aggregate classification.
Comment: Likely benign based on allele frequency in 1000 Genomes Project or ESP global frequency and its presence in a patient with a rare or unrelated disease phenotype. NOT Sanger confirmed.

NM_182961.4(SYNE1):c.12607G>A (p.Glu4203Lys)

Gene: SYNE1 (spectrin repeat containing nuclear envelope protein 1; minus strand). Cytogenetic location: 6q25.2.
Variant type: single nucleotide variant.
Coding change: c.12607G>A on transcript NM_182961.4 (MANE Select); coding-DNA position 12607, G replaced by A.
Protein change: p.Glu4203Lys; replaces glutamic acid 4203 with lysine.
Molecular consequence: missense variant.
Genome position (GRCh38, 1-based): chr6:152,334,195, C>T on the plus strand (G>A on the coding strand, the complement: SYNE1 is on the minus strand). VCF-style: chr6-152334195-C-T. GRCh37 (hg19) VCF-style: chr6-152655330-C-T.
Other names: p.Glu4132Lys; c.12394G>A, p.Glu4132Lys (NM_033071.5); short protein forms E4132K, E4203K.
Identifiers: ClinVar variation 130402 (VCV000130402.23), dbSNP rs2130262, ClinGen allele CA155355.